The following is an entry in ClinVar:

ClinVar aggregate classification (germline): Uncertain significance (1 of 4 stars; one submission).

Allele frequency attached by ClinVar (database versions not stated): ExAC 0.00001; gnomAD exomes 0.00002; TOPMed 0.00003; gnomAD 0.00005.
gnomAD v4.1: 34 of 1,613,962 alleles (0.0021%); highest among the groups gnomAD compares: Middle Eastern, 0.033%; no homozygotes.

Submission:

Labcorp Genetics (formerly Invitae), Labcorp
Classification: Uncertain significance. Last evaluated: 2025-09-28. Review status: criteria provided, single submitter. Criteria: Invitae Variant Classification Sherloc (09022015). Collection method: clinical testing. Allele origin: germline.
Comment: This sequence change affects a donor splice site in intron 23 of the A2ML1 gene. It is expected to disrupt RNA splicing. Variants that disrupt the donor or acceptor splice site typically lead to a loss of protein function (PMID: 16199547), however the current clinical and genetic evidence is not sufficient to establish whether loss-of-function variants in A2ML1 cause disease. This variant is present in population databases (rs768624782, gnomAD 0.009%). This variant has not been reported in the literature in individuals affected with A2ML1-related conditions. ClinVar contains an entry for this variant (Variation ID: 655111). Algorithms developed to predict the effect of sequence changes on RNA splicing suggest that this variant may disrupt the consensus splice site. In summary, the available evidence is currently insufficient to determine the role of this variant in disease. Therefore, it has been classified as a Variant of Uncertain Significance.

Literature cited by the submitters: PubMed 16199547.

NM_144670.6(A2ML1):c.2848+1G>A

Gene: A2ML1 (alpha-2-macroglobulin like 1; plus strand). Cytogenetic location: 12p13.31.
Variant type: single nucleotide variant.
Coding change: c.2848+1G>A on transcript NM_144670.6 (MANE Select); the canonical splice donor site of the intron after coding-DNA position 2848, G replaced by A.
Molecular consequence: splice donor variant.
Genome position (GRCh38, 1-based): chr12:8,855,593, G>A. VCF-style: chr12-8855593-G-A. GRCh37 (hg19) VCF-style: chr12-9008189-G-A.
Other names: c.1375+1G>A (NM_001282424.3).
Identifiers: ClinVar variation 655111 (VCV000655111.7), dbSNP rs768624782, ClinGen allele CA6436165.